The following is an entry in ClinVar:

NM_000138.5(FBN1):c.6997+1G>A

Gene: FBN1 (fibrillin 1; minus strand). Cytogenetic location: 15q21.1.
Variant type: single nucleotide variant.
Coding change: c.6997+1G>A on transcript NM_000138.5 (MANE Select); the canonical splice donor site of the intron after coding-DNA position 6997, G replaced by A.
Molecular consequence: splice donor variant.
Genome position (GRCh38, 1-based): chr15:48,428,345, C>T on the plus strand (G>A on the coding strand, the complement: FBN1 is on the minus strand). VCF-style: chr15-48428345-C-T. GRCh37 (hg19) VCF-style: chr15-48720542-C-T.
Other names: c.6997+1G>A (NM_001406716.1).
Identifiers: ClinVar variation 841704 (VCV000841704.25), dbSNP rs2042997306, ClinGen allele CA392330390.

ClinVar aggregate classification (germline): Pathogenic/Likely pathogenic. Review status: criteria provided, multiple submitters, no conflicts (2 of 4 stars). 2 submissions from 2 submitters: Pathogenic (1); Likely pathogenic (1). Last evaluated 2024-04-05.

Conditions:
Familial thoracic aortic aneurysm and aortic dissection (TAAD). Also called: Thoracic aortic aneurysms and dissections. Identifiers: Orphanet 91387, MedGen C4707243, MONDO:0019625.
Marfan syndrome (MFS). Also called: FBN1-Related Marfan Syndrome; Marfan's syndrome; MARFAN SYNDROME, TYPE I; Marfan syndrome type 1; Marfan syndrome, classic. Identifiers: Orphanet 284963, Orphanet 558, MedGen C0024796, MONDO:0007947, OMIM 154700.

Submissions (2):

Labcorp Genetics (formerly Invitae), Labcorp
Classification: Pathogenic for Marfan syndrome; Familial thoracic aortic aneurysm and aortic dissection. Last evaluated: 2024-04-05. Review status: criteria provided, single submitter. Criteria: Invitae Variant Classification Sherloc (09022015). Collection method: clinical testing. Allele origin: germline.
Comment: This sequence change affects a donor splice site in intron 57 of the FBN1 gene. It is expected to disrupt RNA splicing. Variants that disrupt the donor or acceptor splice site typically lead to a loss of protein function (PMID: 16199547), and loss-of-function variants in FBN1 are known to be pathogenic (PMID: 17657824, 19293843). This variant is not present in population databases (gnomAD no frequency). Disruption of this splice site has been observed in individuals with Marfan syndrome (PMID: 8894692; Invitae). ClinVar contains an entry for this variant (Variation ID: 841704). Studies have shown that disruption of this splice site is associated with inconclusive levels of altered splicing (PMID: 8894692). For these reasons, this variant has been classified as Pathogenic.

Centre of Medical Genetics, University of Antwerp
Classification: Likely pathogenic for Marfan syndrome. Last evaluated: 2021-03-01. Review status: criteria provided, single submitter. Criteria: Submitter's publication. Collection method: research. Allele origin: unknown. Affected: yes.
Comment: PM2, PS7, PP4

Literature cited by the submitters: PubMed 16199547 (cited by Labcorp Genetics (formerly Invitae), Labcorp); PubMed 17657824 (cited by Labcorp Genetics (formerly Invitae), Labcorp); PubMed 19293843 (cited by Labcorp Genetics (formerly Invitae), Labcorp); PubMed 8894692 (cited by Labcorp Genetics (formerly Invitae), Labcorp).